The following is an entry in ClinVar:

NM_001903.5(CTNNA1):c.812A>G (p.Gln271Arg)

Gene: CTNNA1 (catenin alpha 1; plus strand). Cytogenetic location: 5q31.2.
Variant type: single nucleotide variant.
Coding change: c.812A>G on transcript NM_001903.5 (MANE Select); coding-DNA position 812, A replaced by G.
Protein change: p.Gln271Arg; replaces glutamine 271 with arginine.
Molecular consequence: missense variant.
Genome position (GRCh38, 1-based): chr5:138,824,753, A>G. VCF-style: chr5-138824753-A-G. GRCh37 (hg19) VCF-style: chr5-138160442-A-G.
Other names: c.812A>G, p.Gln271Arg (NM_001290307.3, NM_001323982.2, NM_001323983.1 and 3 more transcripts); c.503A>G, p.Gln168Arg (NM_001290309.3); c.443A>G, p.Gln148Arg (NM_001290310.3); short protein forms Q168R, Q148R, Q271R.
Identifiers: ClinVar variation 1762109 (VCV001762109.5), dbSNP rs2532426272, ClinGen allele CA361130139.

ClinVar aggregate classification (germline): Uncertain significance. Review status: criteria provided, multiple submitters, no conflicts (2 of 4 stars). 3 submissions from 3 submitters: Uncertain significance (3). Last evaluated 2025-12-29.

Conditions:
Patterned macular dystrophy 2. Identifiers: Orphanet 99001, MedGen C1837029, MONDO:0012162, OMIM 608970.
Hereditary cancer-predisposing syndrome. Also called: Neoplastic Syndromes, Hereditary; Tumor predisposition; Hereditary Cancer Syndrome; Hereditary neoplastic syndrome. Identifiers: Orphanet 140162, MedGen C0027672, MeSH D009386, MONDO:0015356.

Submissions (3):

Center for Genomic Medicine, Rigshospitalet, Copenhagen University Hospital
Classification: Uncertain significance. Last evaluated: 2025-12-29. Review status: criteria provided, single submitter. Criteria: ACMG Guidelines, 2015. Collection method: clinical testing. Allele origin: germline.

Baylor Genetics
Classification: Uncertain significance for Patterned macular dystrophy 2. Last evaluated: 2024-01-25. Review status: criteria provided, single submitter. Criteria: ACMG Guidelines, 2015. Collection method: clinical testing. Allele origin: unknown.

Ambry Genetics
Classification: Uncertain significance for Hereditary cancer-predisposing syndrome. Last evaluated: 2023-08-30. Review status: criteria provided, single submitter. Criteria: Ambry Variant Classification Scheme 2023. Collection method: clinical testing. Allele origin: germline.
Comment: The p.Q271R variant (also known as c.812A>G), located in coding exon 5 of the CTNNA1 gene, results from an A to G substitution at nucleotide position 812. The glutamine at codon 271 is replaced by arginine, an amino acid with highly similar properties. This amino acid position is conserved. In addition, this alteration is predicted to be tolerated by in silico analysis. Since supporting evidence is limited at this time, the clinical significance of this alteration remains unclear.